The following is an entry in ClinVar:

NM_000465.4(BARD1):c.1548T>G (p.Tyr516Ter)

Gene: BARD1 (BRCA1 associated RING domain 1; minus strand). Cytogenetic location: 2q35.
Variant type: single nucleotide variant.
Coding change: c.1548T>G on transcript NM_000465.4 (MANE Select); coding-DNA position 1548, T replaced by G.
Protein change: p.Tyr516Ter; replaces tyrosine 516 with a stop codon.
Molecular consequence: nonsense. On other transcripts: non-coding transcript variant (3), intron variant (3).
Genome position (GRCh38, 1-based): chr2:214,767,502, A>C on the plus strand (T>G on the coding strand, the complement: BARD1 is on the minus strand). VCF-style: chr2-214767502-A-C. GRCh37 (hg19) VCF-style: chr2-215632226-A-C.
Other names: c.1491T>G, p.Tyr497Ter (NM_001282543.2); c.159-14947T>G (NM_001282548.2); c.216-14947T>G (NM_001282545.2); c.364+24795T>G (NM_001282549.2); short protein forms Y497*, Y516*.
Identifiers: ClinVar variation 3479712 (VCV003479712.3).

ClinVar aggregate classification (germline): Pathogenic. Review status: criteria provided, multiple submitters, no conflicts (2 of 4 stars). 2 submissions from 2 submitters: Pathogenic (2). Last evaluated 2024-12-26.

Conditions:
Familial cancer of breast. Also called: Hereditary breast cancer; hereditary breast carcinoma; BREAST CANCER, FAMILIAL. Identifiers: Orphanet 227535, MedGen C0346153, MONDO:0016419, OMIM 114480. Disease mechanism: loss of function.
Hereditary cancer-predisposing syndrome. Also called: Tumor predisposition; Neoplastic Syndromes, Hereditary; Hereditary neoplastic syndrome; Hereditary Cancer Syndrome. Identifiers: Orphanet 140162, MedGen C0027672, MeSH D009386, MONDO:0015356.

Submissions (2):

Labcorp Genetics (formerly Invitae), Labcorp
Classification: Pathogenic for Familial cancer of breast. Last evaluated: 2024-12-26. Review status: criteria provided, single submitter. Criteria: Invitae Variant Classification Sherloc (09022015). Collection method: clinical testing. Allele origin: germline.
Comment: This sequence change creates a premature translational stop signal (p.Tyr516*) in the BARD1 gene. It is expected to result in an absent or disrupted protein product. Loss-of-function variants in BARD1 are known to be pathogenic (PMID: 20077502, 21344236). This variant is not present in population databases (gnomAD no frequency). This variant has not been reported in the literature in individuals affected with BARD1-related conditions. For these reasons, this variant has been classified as Pathogenic.

Ambry Genetics
Classification: Pathogenic for Hereditary cancer-predisposing syndrome. Last evaluated: 2024-08-22. Review status: criteria provided, single submitter. Criteria: Ambry Variant Classification Scheme 2023. Collection method: clinical testing. Allele origin: germline.
Comment: The p.Y516* pathogenic mutation (also known as c.1548T>G), located in coding exon 6 of the BARD1 gene, results from a T to G substitution at nucleotide position 1548. This changes the amino acid from a tyrosine to a stop codon within coding exon 6. This variant is considered to be rare based on population cohorts in the Genome Aggregation Database (gnomAD). This alteration is expected to result in loss of function by premature protein truncation or nonsense-mediated mRNA decay. As such, this alteration is interpreted as a disease-causing mutation.

Literature cited by the submitters: PubMed 20077502 (cited by Labcorp Genetics (formerly Invitae), Labcorp); PubMed 21344236 (cited by Labcorp Genetics (formerly Invitae), Labcorp).